The following is an entry in ClinVar:

NM_024915.4(GRHL2):c.793G>C (p.Gly265Arg)

Gene: GRHL2 (grainyhead like transcription factor 2; plus strand). Cytogenetic location: 8q22.3.
Variant type: single nucleotide variant.
Coding change: c.793G>C on transcript NM_024915.4 (MANE Select); coding-DNA position 793, G replaced by C.
Protein change: p.Gly265Arg; replaces glycine 265 with arginine.
Molecular consequence: missense variant.
Genome position (GRCh38, 1-based): chr8:101,573,726, G>C. VCF-style: chr8-101573726-G-C. GRCh37 (hg19) VCF-style: chr8-102585954-G-C.
Other names: c.745G>C, p.Gly249Arg (NM_001330593.2); short protein forms G249R, G265R.
Identifiers: ClinVar variation 3697926 (VCV003697926.2).

ClinVar aggregate classification (germline): Uncertain significance (1 of 4 stars; one submission).

gnomAD v4.1: 2 of 1,614,062 alleles (0.00012%); highest among the groups gnomAD compares: African/African-American, 0.0013%; no homozygotes.

Submission:

Labcorp Genetics (formerly Invitae), Labcorp
Classification: Uncertain significance. Last evaluated: 2024-09-01. Review status: criteria provided, single submitter. Criteria: Invitae Variant Classification Sherloc (09022015). Collection method: clinical testing. Allele origin: germline.
Comment: This sequence change replaces glycine, which is neutral and non-polar, with arginine, which is basic and polar, at codon 265 of the GRHL2 protein (p.Gly265Arg). This variant is present in population databases (rs759808546, gnomAD 0.007%). This variant has not been reported in the literature in individuals affected with GRHL2-related conditions. Invitae Evidence Modeling of protein sequence and biophysical properties (such as structural, functional, and spatial information, amino acid conservation, physicochemical variation, residue mobility, and thermodynamic stability) has been performed for this missense variant. However, the output from this modeling did not meet the statistical confidence thresholds required to predict the impact of this variant on GRHL2 protein function. In summary, the available evidence is currently insufficient to determine the role of this variant in disease. Therefore, it has been classified as a Variant of Uncertain Significance.